The following is an entry in ClinVar:

ClinVar aggregate classification (germline): Uncertain significance. Review status: criteria provided, multiple submitters, no conflicts (2 of 4 stars). 2 submissions from 2 submitters: Uncertain significance (2). Last evaluated 2025-10-02.

Conditions:
Basal laminar drusen. Also called: DRUSEN OF BRUCH MEMBRANE; DRUSEN, CUTICULAR; DRUSEN, EARLY ADULT-ONSET, GROUPED. Identifiers: Orphanet 75376, MedGen C0730295, MONDO:0007472, OMIM 126700.
Age related macular degeneration 4. Identifiers: MedGen C1853147, MONDO:0012540, OMIM 610698.
Atypical hemolytic-uremic syndrome. Identifiers: Orphanet 2134, MedGen C2931788, MONDO:0016244.
Factor H deficiency (CFHD). Also called: COMPLEMENT FACTOR H DEFICIENCY; CFH DEFICIENCY. Identifiers: Orphanet 200421, MedGen C0398777, MONDO:0012350, OMIM 609814.

Allele frequency attached by ClinVar (database versions not stated): gnomAD exomes below 0.00001.
gnomAD v4.1: 2 of 1,610,860 alleles (0.00012%); highest among the groups gnomAD compares: Non-Finnish European, 0.00017%; no homozygotes.

Submissions (2):

Genomenon, Inc
Classification: Uncertain significance for Basal laminar drusen; Age related macular degeneration 4; Atypical hemolytic-uremic syndrome; Factor H deficiency. Last evaluated: 2025-10-02. Review status: criteria provided, single submitter. Criteria: Genomenon Sequence Variant Interpretation Standards - Updated. Collection method: curation. Allele origin: germline. Affected: no.
Comment: CFH p.Asn396Ser (c.1187A>G) is a missense variant that changes the amino acid at residue 396 from Asparagine to Serine. This variant has been reported in the published literature (PMID:38383453). It is absent or not present at a significant frequency in gnomAD. In conclusion, we classify CFH p.Asn396Ser (c.1187A>G) as a variant of uncertain significance.

Labcorp Genetics (formerly Invitae), Labcorp
Classification: Uncertain significance. Last evaluated: 2022-08-06. Review status: criteria provided, single submitter. Criteria: Invitae Variant Classification Sherloc (09022015). Collection method: clinical testing. Allele origin: germline.
Comment: In summary, the available evidence is currently insufficient to determine the role of this variant in disease. Therefore, it has been classified as a Variant of Uncertain Significance. Algorithms developed to predict the effect of missense changes on protein structure and function are either unavailable or do not agree on the potential impact of this missense change (SIFT: "Deleterious"; PolyPhen-2: "Probably Damaging"; Align-GVGD: "Class C0"). This variant has not been reported in the literature in individuals affected with CFH-related conditions. This variant is not present in population databases (gnomAD no frequency). This sequence change replaces asparagine, which is neutral and polar, with serine, which is neutral and polar, at codon 396 of the CFH protein (p.Asn396Ser).

Literature cited by the submitters: PubMed 38383453 (cited by Genomenon, Inc).

NM_000186.4(CFH):c.1187A>G (p.Asn396Ser)

Gene: CFH (complement factor H; plus strand). Cytogenetic location: 1q31.3.
Variant type: single nucleotide variant.
Coding change: c.1187A>G on transcript NM_000186.4 (MANE Select); coding-DNA position 1187, A replaced by G.
Protein change: p.Asn396Ser; replaces asparagine 396 with serine.
Molecular consequence: missense variant.
Genome position (GRCh38, 1-based): chr1:196,690,090, A>G. VCF-style: chr1-196690090-A-G. GRCh37 (hg19) VCF-style: chr1-196659220-A-G.
Other names: c.1187A>G, p.Asn396Ser (NM_001014975.3); short protein forms N396S.
Identifiers: ClinVar variation 1955322 (VCV001955322.6), dbSNP rs1443670709, ClinGen allele CA343980559.
Genomic context (GRCh38, chr1:196,690,090, plus strand): 5'-ACTTTATTTATTTATCATTGTTATGGTCCTTAGGAAAATGTTATTTTCCTTATTTGGAAA[A>G]TGGATATAATCAAAATCATGGAAGAAAGTTTGTACAGGGTAAATCTATAGACGTTGCCTG-3'
Protein context (NP_000177.2, residues 386-406): LRKCYFPYLE[Asn396Ser]GYNQNHGRKF